The following is an entry in ClinVar:

ClinVar aggregate classification (germline): Pathogenic (1 of 4 stars; one submission).

Submission:

Labcorp Genetics (formerly Invitae), Labcorp
Classification: Pathogenic. Last evaluated: 2022-01-04. Review status: criteria provided, single submitter. Criteria: Invitae Variant Classification Sherloc (09022015). Collection method: clinical testing. Allele origin: germline.
Comment: For these reasons, this variant has been classified as Pathogenic. This variant has not been reported in the literature in individuals affected with NBAS-related conditions. This variant is not present in population databases (gnomAD no frequency). This sequence change creates a premature translational stop signal (p.Thr241Asnfs*17) in the NBAS gene. It is expected to result in an absent or disrupted protein product. Loss-of-function variants in NBAS are known to be pathogenic (PMID: 26073778, 26541327, 27789416, 28031453).

Literature cited by the submitters: PubMed 26073778; PubMed 26541327; PubMed 27789416; PubMed 28031453.

NM_015909.4(NBAS):c.721dup (p.Thr241fs)

Gene: NBAS (NBAS subunit of NRZ tethering complex; minus strand). Cytogenetic location: 2p24.3.
Variant type: Duplication.
Coding change: c.721dup on transcript NM_015909.4 (MANE Select); coding-DNA position 721, one base duplicated (A; older notation c.721dupA).
Protein change: p.Thr241fs; shifts the reading frame from threonine 241.
Molecular consequence: frameshift variant. On other transcripts: non-coding transcript variant (1).
Genome position (GRCh38, 1-based): chr2:15,534,568, T duplicated on the plus strand (A on the coding strand, the reverse complement: NBAS is on the minus strand). VCF-style (leftmost placement, unchanged base first): chr2-15534567-G-GT. GRCh37 (hg19) VCF-style: chr2-15674691-G-GT.
Other names: short protein forms T241fs.
Identifiers: ClinVar variation 1457243 (VCV001457243.6), dbSNP rs2148680676, ClinGen allele CA2573133125.